The following is an entry in ClinVar:

NM_002691.4(POLD1):c.1914del (p.Arg639fs)

Gene: POLD1 (DNA polymerase delta 1, catalytic subunit; plus strand). Cytogenetic location: 19q13.33.
Variant type: Deletion.
Coding change: c.1914del on transcript NM_002691.4 (MANE Select); coding-DNA position 1914, one base deleted (C; older notation c.1914delC).
Protein change: p.Arg639fs; shifts the reading frame from arginine 639.
Molecular consequence: frameshift variant. On other transcripts: non-coding transcript variant (1).
Genome position (GRCh38, 1-based): chr19:50,409,143, C deleted. VCF-style (leftmost placement, unchanged base first): chr19-50409142-TC-T. GRCh37 (hg19) VCF-style: chr19-50912399-TC-T.
Other names: c.1914del, p.Arg639fs (NM_001256849.1); c.1992del, p.Arg665fs (NM_001308632.1); c.1914delC (NM_002691.2); c.1914del (NM_002691.3); short protein forms R639fs, R665fs.
Identifiers: ClinVar variation 1464991 (VCV001464991.10), dbSNP rs2122375847, ClinGen allele CA2573156703.

ClinVar aggregate classification (germline): Uncertain significance. Review status: criteria provided, multiple submitters, no conflicts (2 of 4 stars). 3 submissions from 3 submitters: Uncertain significance (3). Last evaluated 2026-02-16.

Conditions:
POLD1-related polyposis and colorectal cancer syndrome (CRCS10). Also called: Colorectal cancer 10; COLORECTAL CANCER, SUSCEPTIBILITY TO, ON CHROMOSOME 19q; Colorectal cancer, susceptibility to, 10. Identifiers: Orphanet 220460, MedGen C2675481, MONDO:0012953, OMIM 612591.
Hereditary cancer-predisposing syndrome. Also called: Neoplastic Syndromes, Hereditary; Tumor predisposition; Hereditary Cancer Syndrome; Hereditary neoplastic syndrome. Identifiers: Orphanet 140162, MedGen C0027672, MeSH D009386, MONDO:0015356.

Submissions (3):

Ambry Genetics
Classification: Uncertain significance for Hereditary cancer-predisposing syndrome. Last evaluated: 2026-02-16. Review status: criteria provided, single submitter. Criteria: Ambry Variant Classification Scheme 2023. Collection method: clinical testing. Allele origin: germline.
Comment: The c.1914delC variant, located in coding exon 15 of the POLD1 gene, results from a deletion of one nucleotide at nucleotide position 1914, causing a translational frameshift with a predicted alternate stop codon (p.R639Gfs*9). This alteration is expected to result in loss of function by premature protein truncation or nonsense-mediated mRNA decay. However, loss of function has not been established as a mechanism of disease. Based on the available evidence, the clinical significance of this variant remains unclear.

Labcorp Genetics (formerly Invitae), Labcorp
Classification: Uncertain significance for POLD1-related polyposis and colorectal cancer syndrome. Last evaluated: 2024-10-21. Review status: criteria provided, single submitter. Criteria: Invitae Variant Classification Sherloc (09022015). Collection method: clinical testing. Allele origin: germline.
Comment: This sequence change creates a premature translational stop signal (p.Arg639Glyfs*9) in the POLD1 gene. Missense variants that disrupt the 3'-5' exonuclease (proof-reading) activity of the POLD1 protein are associated with PPAP (polymerase proofreading–associated polyposis) (PMID: 23263490, 23447401). However, loss-of-function variants that result in an absent or severely disrupted POLD1 protein, and missense variants outside the exonuclease domain, are unlikely to be associated with PPAP. This variant is not present in population databases (gnomAD no frequency). This variant has not been reported in the literature in individuals affected with POLD1-related conditions. ClinVar contains an entry for this variant (Variation ID: 1464991). Studies have shown that this premature translational stop signal is associated with inconclusive levels of altered splicing (internal data). In summary, the available evidence is currently insufficient to determine the role of this variant in disease. Therefore, it has been classified as a Variant of Uncertain Significance.

GeneDx
Classification: Uncertain significance. Last evaluated: 2024-07-09. Review status: criteria provided, single submitter. Criteria: GeneDx Variant Classification Process June 2021. Collection method: clinical testing. Allele origin: germline. Affected: yes.
Comment: Not observed at significant frequency in large population cohorts (gnomAD); Has not been previously published as pathogenic or benign to our knowledge; Frameshift variant predicted to result in protein truncation or nonsense mediated decay in a gene for which loss-of-function is not an established mechanism of disease

Literature cited by the submitters: PubMed 23263490 (cited by Labcorp Genetics (formerly Invitae), Labcorp); PubMed 23447401 (cited by Labcorp Genetics (formerly Invitae), Labcorp).